The following is an entry in ClinVar:

ClinVar aggregate classification (germline): Uncertain significance (1 of 4 stars; one submission).

Conditions:
Peroxisome biogenesis disorder 3A (Zellweger). Also called: PEROXISOMAL BIOGENESIS DISORDER 3A (ZELLWEGER); Peroxisome biogenesis disorder 3A. Identifiers: Orphanet 912, MedGen C3553929, MONDO:0013927, OMIM 614859.

Submission:

Labcorp Genetics (formerly Invitae), Labcorp
Classification: Uncertain significance for Peroxisome biogenesis disorder 3A (Zellweger). Last evaluated: 2022-04-22. Review status: criteria provided, single submitter. Criteria: Invitae Variant Classification Sherloc (09022015). Collection method: clinical testing. Allele origin: germline.
Comment: In summary, the available evidence is currently insufficient to determine the role of this variant in disease. Therefore, it has been classified as a Variant of Uncertain Significance. Algorithms developed to predict the effect of missense changes on protein structure and function are either unavailable or do not agree on the potential impact of this missense change (SIFT: "Deleterious"; PolyPhen-2: "Benign"; Align-GVGD: "Class C0"). This variant has not been reported in the literature in individuals affected with PEX12-related conditions. This variant is not present in population databases (gnomAD no frequency). This sequence change replaces valine, which is neutral and non-polar, with phenylalanine, which is neutral and non-polar, at codon 243 of the PEX12 protein (p.Val243Phe).

NM_000286.3(PEX12):c.727G>T (p.Val243Phe)

Gene: PEX12 (peroxisomal biogenesis factor 12; minus strand). Cytogenetic location: 17q12.
Variant type: single nucleotide variant.
Coding change: c.727G>T on transcript NM_000286.3 (MANE Select); coding-DNA position 727, G replaced by T.
Protein change: p.Val243Phe; replaces valine 243 with phenylalanine.
Molecular consequence: missense variant.
Genome position (GRCh38, 1-based): chr17:35,576,135, C>A on the plus strand (G>T on the coding strand, the complement: PEX12 is on the minus strand). VCF-style: chr17-35576135-C-A. GRCh37 (hg19) VCF-style: chr17-33903154-C-A.
Other names: short protein forms V243F.
Identifiers: ClinVar variation 1936954 (VCV001936954.5), dbSNP rs2509168338, ClinGen allele CA399137504.